The following is an entry in ClinVar:

ClinVar aggregate classification (germline): Benign (1 of 4 stars; one submission).

Allele frequency attached by ClinVar (database versions not stated): gnomAD 0.04351 and 0.04678; 1000 Genomes Project 0.04852; TOPMed 0.05037; 1000 Genomes Project 30x 0.05169.
gnomAD v4.1: 6,544 of 151,660 alleles (4.3%); highest among the groups gnomAD compares: African/African-American, 15%; 442 homozygotes.

Submission:

GeneDx
Classification: Benign. Last evaluated: 2018-06-16. Review status: criteria provided, single submitter. Criteria: GeneDx Variant Classification (06012015). Collection method: clinical testing. Allele origin: germline. Affected: yes.
Comment: This variant is considered likely benign or benign based on one or more of the following criteria: it is a conservative change, it occurs at a poorly conserved position in the protein, it is predicted to be benign by multiple in silico algorithms, and/or has population frequency not consistent with disease.

NM_139276.3(STAT3):c.468+201C>T

Gene: STAT3 (signal transducer and activator of transcription 3; minus strand). Cytogenetic location: 17q21.2.
Variant type: single nucleotide variant.
Coding change: c.468+201C>T on transcript NM_139276.3 (MANE Select); 201 bases into the intron after coding-DNA position 468, C replaced by T.
Molecular consequence: intron variant.
Genome position (GRCh38, 1-based): chr17:42,339,113, G>A on the plus strand (C>T on the coding strand, the complement: STAT3 is on the minus strand). VCF-style: chr17-42339113-G-A. GRCh37 (hg19) VCF-style: chr17-40491131-G-A.
Other names: c.373-301C>T (NM_001384989.1); c.468+201C>T (NM_001384992.1, NM_001384984.1, NM_001369519.1 and 15 more transcripts); c.390+201C>T (NM_001384985.1).
Identifiers: ClinVar variation 675225 (VCV000675225.1), dbSNP rs56270394, ClinGen allele CA290743439.